The following is an entry in ClinVar:

NM_001267550.2(TTN):c.46397dup (p.Asp15466fs)

Genes: TTN-AS1 (TTN antisense RNA 1; plus strand), TTN (titin; minus strand). Cytogenetic location: 2q31.2.
Variant type: Duplication.
Coding change: c.46397dup on transcript NM_001267550.2 (MANE Select); coding-DNA position 46397, one base duplicated (A; older notation c.46397dupA).
Protein change: p.Asp15466fs; shifts the reading frame from aspartic acid 15466.
Molecular consequence: frameshift variant. On other transcripts: non-coding transcript variant (1).
Genome position (GRCh38, 1-based): chr2:178,620,020, T duplicated on the plus strand (A on the coding strand, the reverse complement: TTN is on the minus strand). VCF-style (leftmost placement, unchanged base first): chr2-178620019-G-GT. GRCh37 (hg19) VCF-style: chr2-179484746-G-GT.
Other names: c.41474dup, p.Asp13825fs (NM_001256850.1); c.19202dup, p.Asp6401fs (NM_003319.4); c.38693dup, p.Asp12898fs (NM_133378.4); c.19577dup, p.Asp6526fs (NM_133432.3); c.19778dup, p.Asp6593fs (NM_133437.4); short protein forms D15466fs, D6593fs, D6401fs, D6526fs, D12898fs, D13825fs.
Identifiers: ClinVar variation 2942485 (VCV002942485.3), dbSNP rs2470983712, ClinGen allele CA2740096141.
Genomic context (GRCh38, chr2:178,620,019, plus strand): 5'-TTAGAATTGTTTTTTCACTTAATATGTACCTTCCACAAAAAGTCTAGCACGAGACTTCCT[G>GT]TCTTCTACCCCGCAAGCATATTCACACTCATCATCCAGCCTGCAATCTTTTATAATGAGT-3'

ClinVar aggregate classification (germline): Likely pathogenic (1 of 4 stars; one submission).

Conditions:
Dilated cardiomyopathy 1G (CMD1G). Identifiers: Orphanet 154, MedGen C1858763, MONDO:0011400, OMIM 604145.
Autosomal recessive limb-girdle muscular dystrophy type 2J (LGMDR10). Also called: MUSCULAR DYSTROPHY, LIMB-GIRDLE, AUTOSOMAL RECESSIVE 10; Limb-girdle muscular dystrophy, type 2J. Identifiers: Orphanet 140922, MedGen C1837342, MONDO:0012127, OMIM 608807.

Submission:

Labcorp Genetics (formerly Invitae), Labcorp
Classification: Likely pathogenic for Dilated cardiomyopathy 1G; Autosomal recessive limb-girdle muscular dystrophy type 2J. Last evaluated: 2024-10-18. Review status: criteria provided, single submitter. Criteria: Invitae Variant Classification Sherloc (09022015). Collection method: clinical testing. Allele origin: germline.
Comment: This sequence change creates a premature translational stop signal (p.Asp15466Glufs*7) in the TTN gene. While this is not anticipated to result in nonsense mediated decay, it is expected to create a truncated TTN protein. This variant is not present in population databases (gnomAD no frequency). This variant has not been reported in the literature in individuals affected with TTN-related conditions. Algorithms developed to predict the effect of sequence changes on RNA splicing suggest that this variant may disrupt the consensus splice site. This variant is located in the I band of TTN (PMID: 25589632). Truncating variants in this region have been reported in individuals affected with autosomal recessive centronuclear myopathy (PMID: 23975875, internal data). Truncating variants in this region have also been identified in individuals affected with autosomal dominant dilated cardiomyopathy and/or cardio-related conditions (PMID: 27869827, 32964742, internal data). In summary, the currently available evidence indicates that the variant is pathogenic, but additional data are needed to prove that conclusively. Therefore, this variant has been classified as Likely Pathogenic.

Literature cited by the submitters: PubMed 25589632; PubMed 23975875; PubMed 27869827; PubMed 32964742.